The following is an entry in ClinVar:

ClinVar aggregate classification (germline): Uncertain significance. Review status: criteria provided, multiple submitters, no conflicts (2 of 4 stars). 2 submissions from 2 submitters: Uncertain significance (2). Last evaluated 2025-08-28.

Conditions:
Inborn genetic diseases. Identifiers: MedGen C0950123, MeSH D030342.

gnomAD v4.1: 28 of 1,614,136 alleles (0.0017%); highest among the groups gnomAD compares: South Asian, 0.029%; 1 homozygote.

Submissions (2):

Ambry Genetics
Classification: Uncertain significance for Inborn genetic diseases. Last evaluated: 2025-08-28. Review status: criteria provided, single submitter. Criteria: Ambry Variant Classification Scheme 2023. Collection method: clinical testing. Allele origin: germline.

GeneDx
Classification: Uncertain significance. Last evaluated: 2024-02-14. Review status: criteria provided, single submitter. Criteria: GeneDx Variant Classification Process June 2021. Collection method: clinical testing. Allele origin: germline. Affected: yes.
Comment: In silico analysis supports that this missense variant has a deleterious effect on protein structure/function; Has not been previously published as pathogenic or benign to our knowledge

NM_002032.3(FTH1):c.376A>C (p.Asn126His)

Genes: BEST1 (bestrophin 1; plus strand), FTH1 (ferritin heavy chain 1; minus strand). Cytogenetic location: 11q12.3.
Variant type: single nucleotide variant.
Coding change: c.376A>C on transcript NM_002032.3 (MANE Select); coding-DNA position 376, A replaced by C.
Protein change: p.Asn126His; replaces asparagine 126 with histidine.
Molecular consequence: missense variant.
Genome position (GRCh38, 1-based): chr11:61,964,998, T>G on the plus strand (A>C on the coding strand, the complement: FTH1 is on the minus strand). VCF-style: chr11-61964998-T-G. GRCh37 (hg19) VCF-style: chr11-61732470-T-G.
Other names: short protein forms N126H.
Identifiers: ClinVar variation 3367827 (VCV003367827.2).
Genomic context (GRCh38, chr11:61,964,998, plus strand): 5'-CTAAGGCAAATGATTTCCTCCATTTATTTCCTGGGGTTCCAATACTCACATGGGGGTCAT[T>G]TTTGTCAGTGGCCAGTTTGTGCAGTTCCAGTAGTGACTGATTCACATTTTTTTCCAAATG-3'
Protein context (NP_002023.2, residues 116-136): LELHKLATDK[Asn126His]DPHLCDFIET